The following is an entry in ClinVar:

NM_006576.4(AVIL):c.1093+1G>A

Gene: AVIL (advillin; minus strand). Cytogenetic location: 12q14.1.
Variant type: single nucleotide variant.
Coding change: c.1093+1G>A on transcript NM_006576.4 (MANE Select); the canonical splice donor site of the intron after coding-DNA position 1093, G replaced by A.
Molecular consequence: splice donor variant.
Genome position (GRCh38, 1-based): chr12:57,808,394, C>T on the plus strand (G>A on the coding strand, the complement: AVIL is on the minus strand). VCF-style: chr12-57808394-C-T. GRCh37 (hg19) VCF-style: chr12-58202177-C-T.
Identifiers: ClinVar variation 4882751 (VCV004882751.2).

ClinVar aggregate classification (germline): Uncertain significance (1 of 4 stars; one submission).

gnomAD v4.1: 5 of 1,614,038 alleles (0.00031%); highest among the groups gnomAD compares: East Asian, 0.0089%; no homozygotes.

Submission:

Dasa
Classification: Uncertain significance. Last evaluated: 2026-01-19. Review status: criteria provided, single submitter. Criteria: DASA Assertion Criteria. Collection method: clinical testing. Allele origin: germline.
Comment: NM_006576.4(AVIL):c.1093+1G>A affects a canonical splice site and is predicted to disrupt normal RNA splicing. This variant is rare in population databases. The currently available literature and clinical evidence are not sufficient to establish a definitive association between this variant and the reported condition. Therefore, this variant is classified as a variant of uncertain significance.